The following is an entry in ClinVar:

NM_001429.4(EP300):c.3162A>G (p.Leu1054=)

Gene: EP300 (EP300 lysine acetyltransferase; plus strand). Cytogenetic location: 22q13.2.
Variant type: single nucleotide variant.
Coding change: c.3162A>G on transcript NM_001429.4 (MANE Select); coding-DNA position 3162, A replaced by G.
Protein change: p.Leu1054=; no amino-acid change (leucine 1054 retained).
Molecular consequence: synonymous variant.
Genome position (GRCh38, 1-based): chr22:41,155,014, A>G. VCF-style: chr22-41155014-A-G. GRCh37 (hg19) VCF-style: chr22-41551018-A-G.
Other names: c.3084A>G, p.Leu1028= (NM_001362843.2).
Identifiers: ClinVar variation 1233015 (VCV001233015.23), dbSNP rs139758629, ClinGen allele CA10253063.

ClinVar aggregate classification (germline): Benign/Likely benign. Review status: criteria provided, multiple submitters, no conflicts (2 of 4 stars). 5 submissions from 5 submitters: Benign (4); Likely benign (1). Last evaluated 2026-01-28.

Conditions:
Rubinstein-Taybi syndrome due to EP300 haploinsufficiency. Also called: EP300-Related Rubinstein-Taybi Syndrome; RUBINSTEIN-TAYBI SYNDROME 2. Identifiers: Orphanet 353284, Orphanet 783, MedGen C3150941, MONDO:0013364, OMIM 613684.

Allele frequency attached by ClinVar (database versions not stated): gnomAD 0.00023 and 0.00009; gnomAD exomes 0.00035 and 0.00063; ExAC 0.00070; 1000 Genomes Project 0.00120; 1000 Genomes Project 30x 0.00125; ESP Exome Variant Server 0.00008; TOPMed 0.00009.
gnomAD v4.1: 557 of 1,613,572 alleles (0.035%); highest among the groups gnomAD compares: South Asian, 0.47%; 15 homozygotes.

Submissions (5):

Labcorp Genetics (formerly Invitae), Labcorp
Classification: Benign for Rubinstein-Taybi syndrome due to EP300 haploinsufficiency. Last evaluated: 2026-01-28. Review status: criteria provided, single submitter. Criteria: Invitae Variant Classification Sherloc (09022015). Collection method: clinical testing. Allele origin: germline.

CeGaT Center for Human Genetics Tuebingen
Classification: Benign. Last evaluated: 2025-02-01. Review status: criteria provided, single submitter. Criteria: CeGaT Center For Human Genetics Tuebingen Variant Classification Criteria Version 2. Collection method: clinical testing. Allele origin: germline. Affected: yes. Observed: 1 variant allele.
Comment: EP300: BP4, BS1, BS2

Blueprint Genetics
Classification: Likely benign. Last evaluated: 2024-06-12. Review status: criteria provided, single submitter. Criteria: ACMG Guidelines, 2015. Collection method: clinical testing. Allele origin: germline.

GeneDx
Classification: Benign. Last evaluated: 2020-12-14. Review status: criteria provided, single submitter. Criteria: GeneDx Variant Classification Process June 2021. Collection method: clinical testing. Allele origin: germline. Affected: yes.

Breakthrough Genomics
Classification: Benign. Review status: criteria provided, single submitter. Criteria: ACMG Guidelines, 2015. Collection method: not provided. Allele origin: germline. Inheritance: Autosomal dominant inheritance. Affected: yes.